The following is an entry in ClinVar:

NM_139343.3(BIN1):c.259C>T (p.Gln87Ter)

Gene: BIN1 (bridging integrator 1; minus strand). Cytogenetic location: 2q14.3.
Variant type: single nucleotide variant.
Coding change: c.259C>T on transcript NM_139343.3 (MANE Select); coding-DNA position 259, C replaced by T.
Protein change: p.Gln87Ter; replaces glutamine 87 with a stop codon.
Molecular consequence: nonsense.
Genome position (GRCh38, 1-based): chr2:127,070,609, G>A on the plus strand (C>T on the coding strand, the complement: BIN1 is on the minus strand). VCF-style: chr2-127070609-G-A. GRCh37 (hg19) VCF-style: chr2-127828185-G-A.
Other names: c.259C>T, p.Gln87Ter (NM_139345.3, NM_139346.3, NM_139347.3 and 10 more transcripts); c.187C>T, p.Gln63Ter (NM_001320634.1); c.178C>T, p.Gln60Ter (NM_001320642.1); short protein forms Q60*, Q63*, Q87*.
Identifiers: ClinVar variation 1494756 (VCV001494756.8), dbSNP rs2105075896, ClinGen allele CA348369486.

ClinVar aggregate classification (germline): Uncertain significance (1 of 4 stars; one submission).

Conditions:
Myopathy, centronuclear, 2 (CNM2). Also called: MYOTUBULAR MYOPATHY, AUTOSOMAL RECESSIVE. Identifiers: Orphanet 169186, MedGen CN031787, MONDO:0009709, OMIM 255200.

Allele frequency attached by ClinVar (database versions not stated): gnomAD exomes below 0.00001.

Submission:

Labcorp Genetics (formerly Invitae), Labcorp
Classification: Uncertain significance for Myopathy, centronuclear, 2. Last evaluated: 2022-02-02. Review status: criteria provided, single submitter. Criteria: Invitae Variant Classification Sherloc (09022015). Collection method: clinical testing. Allele origin: germline.
Comment: This variant is not present in population databases (gnomAD no frequency). In summary, the available evidence is currently insufficient to determine the role of this variant in disease. Therefore, it has been classified as a Variant of Uncertain Significance. This premature translational stop signal has been observed in individual(s) with clinical features of centronuclear myopathy (Invitae). This sequence change creates a premature translational stop signal (p.Gln87*) in the BIN1 gene. It is expected to result in an absent or disrupted protein product. However, the current clinical and genetic evidence is not sufficient to establish whether loss-of-function variants in BIN1 cause disease.